The following is an entry in ClinVar:

NM_172245.4(CSF2RA):c.1070C>A (p.Pro357Gln)

Gene: CSF2RA (colony stimulating factor 2 receptor subunit alpha; plus strand). Cytogenetic location: Xp22.33.
Variant type: single nucleotide variant.
Coding change: c.1070C>A on transcript NM_172245.4 (MANE Select); coding-DNA position 1070, C replaced by A.
Protein change: p.Pro357Gln; replaces proline 357 with glutamine.
Molecular consequence: missense variant. On other transcripts: non-coding transcript variant (1), intron variant (1).
Genome position (GRCh38, 1-based): chrX:1,305,472, C>A. VCF-style: chrX-1305472-C-A. GRCh37 (hg19) VCF-style: chrX-1424365-C-A.
Other names: c.1070C>A, p.Pro357Gln (NM_001161529.2, NM_001161531.2, NM_001379155.1 and 10 more transcripts); c.1172C>A, p.Pro391Gln (NM_001161530.2, NM_001379153.1, NM_001379154.1); c.671C>A, p.Pro224Gln (NM_001161532.2); c.1040C>A, p.Pro347Gln (NM_001379160.1); c.881C>A, p.Pro294Gln (NM_001379166.1); c.973C>A, p.Arg325Ser (NM_001379167.1, NM_001379168.1, NM_001379169.1 and 1 more transcripts); c.673C>A, p.Arg225Ser (NM_172249.4); c.947-3930C>A (NM_172246.4); short protein forms P391Q, R325S, P224Q, P357Q, P294Q, P347Q, R225S.
Identifiers: ClinVar variation 2146503 (VCV002146503.3), dbSNP rs770606889, ClinGen allele CA412237043.

ClinVar aggregate classification (germline): Uncertain significance (1 of 4 stars; one submission).

Conditions:
Surfactant metabolism dysfunction, pulmonary, 4 (SMDP4). Also called: CSF2RA DEFICIENCY; PAP DUE TO CSF2RA DEFICIENCY; PULMONARY ALVEOLAR PROTEINOSIS, CONGENITAL, 4. Identifiers: Orphanet 264675, MedGen C2677877, MONDO:0010424, OMIM 300770.

Submission:

Labcorp Genetics (formerly Invitae), Labcorp
Classification: Uncertain significance for Surfactant metabolism dysfunction, pulmonary, 4. Last evaluated: 2022-05-03. Review status: criteria provided, single submitter. Criteria: Invitae Variant Classification Sherloc (09022015). Collection method: clinical testing. Allele origin: germline.
Comment: In summary, the available evidence is currently insufficient to determine the role of this variant in disease. Therefore, it has been classified as a Variant of Uncertain Significance. Algorithms developed to predict the effect of missense changes on protein structure and function are either unavailable or do not agree on the potential impact of this missense change (SIFT: "Deleterious"; PolyPhen-2: "Not Available"; Align-GVGD: "Class C0"). This variant has not been reported in the literature in individuals affected with CSF2RA-related conditions. This variant is not present in population databases (gnomAD no frequency). This sequence change replaces proline, which is neutral and non-polar, with glutamine, which is neutral and polar, at codon 357 of the CSF2RA protein (p.Pro357Gln).